The following is an entry in ClinVar:

NM_004036.5(ADCY3):c.3398C>G (p.Ser1133Cys)

Genes: ADCY3 (adenylate cyclase 3; minus strand), CENPO (centromere protein O; plus strand). Cytogenetic location: 2p23.3.
Variant type: single nucleotide variant.
Coding change: c.3398C>G on transcript NM_004036.5 (MANE Select); coding-DNA position 3398, C replaced by G.
Protein change: p.Ser1133Cys; replaces serine 1133 with cysteine.
Molecular consequence: missense variant. On other transcripts: 3 prime UTR variant (4), non-coding transcript variant (3).
Genome position (GRCh38, 1-based): chr2:24,819,969, G>C on the plus strand (C>G on the coding strand, the complement: ADCY3 is on the minus strand). VCF-style: chr2-24819969-G-C. GRCh37 (hg19) VCF-style: chr2-25042838-G-C.
Other names: c.3401C>G, p.Ser1134Cys (NM_001320613.2); c.3464C>G, p.Ser1155Cys (NM_001377128.1); c.3260C>G, p.Ser1087Cys (NM_001377129.1); c.*139C>G (NM_001377130.1); c.2675C>G, p.Ser892Cys (NM_001377131.1); c.3398C>G, p.Ser1133Cys (NM_001377132.1); c.*651G>C (NM_001199803.3, NM_001322101.2, NM_024322.4); short protein forms S1087C, S1133C, S1134C, S1155C, S892C.
Identifiers: ClinVar variation 3352360 (VCV003352360.1).

ClinVar aggregate classification (germline): Uncertain significance (0 of 4 stars; one submission).

Conditions:
ADCY3-related disorder. Also called: ADCY3-related condition.

gnomAD v4.1: 10 of 1,613,814 alleles (0.00062%); highest among the groups gnomAD compares: African/African-American, 0.0053%; no homozygotes.

Submission:

PreventionGenetics, part of Exact Sciences
Classification: Uncertain significance for ADCY3-related condition. Last evaluated: 2024-08-27. Review status: no assertion criteria provided. Collection method: clinical testing. Allele origin: germline.
Comment: The ADCY3 c.3401C>G variant is predicted to result in the amino acid substitution p.Ser1134Cys. To our knowledge, this variant has not been reported in the literature. This variant is reported in 0.0040% of alleles in individuals of African descent in gnomAD. At this time, the clinical significance of this variant is uncertain due to the absence of conclusive functional and genetic evidence.